The following is an entry in ClinVar:

NM_001267550.2(TTN):c.72149A>G (p.Glu24050Gly)

Genes: TTN-AS1 (TTN antisense RNA 1; plus strand), TTN (titin; minus strand). Cytogenetic location: 2q31.2.
Variant type: single nucleotide variant.
Coding change: c.72149A>G on transcript NM_001267550.2 (MANE Select); coding-DNA position 72149, A replaced by G.
Protein change: p.Glu24050Gly; replaces glutamic acid 24050 with glycine.
Molecular consequence: missense variant.
Genome position (GRCh38, 1-based): chr2:178,573,983, T>C on the plus strand (A>G on the coding strand, the complement: TTN is on the minus strand). VCF-style: chr2-178573983-T-C. GRCh37 (hg19) VCF-style: chr2-179438710-T-C.
Other names: c.67226A>G, p.Glu22409Gly (NM_001256850.1); c.44954A>G, p.Glu14985Gly (NM_003319.4); c.64445A>G, p.Glu21482Gly (NM_133378.4); c.45329A>G, p.Glu15110Gly (NM_133432.3); c.45530A>G, p.Glu15177Gly (NM_133437.4); short protein forms E15110G, E14985G, E15177G, E21482G, E22409G, E24050G.
Identifiers: ClinVar variation 893627 (VCV000893627.6), dbSNP rs771209223, ClinGen allele CA1990539.
Genomic context (GRCh38, chr2:178,573,983, plus strand): 5'-AGCTCTTTTCCATCTTTGCTCCATTCCATTGTTGGAGGTGGGCGGCCTGAAACATCAGCT[T>C]CCAGTCTGAATGCTTCACCTGCTTTTAATATAACCGTGTCCTTAAATTTAACATCCACCT-3'
Protein context (NP_001254479.2, residues 24040-24060): ILKAGEAFRL[Glu24050Gly]ADVSGRPPPT

ClinVar aggregate classification (germline): Conflicting classifications of pathogenicity. Review status: criteria provided, conflicting classifications (1 of 4 stars). 6 submissions from 2 submitters: Uncertain significance (4); Benign (2). Last evaluated 2024-12-05.

Conditions:
Tibial muscular dystrophy (TMD). Also called: Tibial muscular dystrophy, tardive; UDD MYOPATHY; Udd Distal Myopathy – Tibial Muscular Dystrophy. Identifiers: Orphanet 609, MedGen C1838244, MONDO:0010870, OMIM 600334.
Early-onset myopathy with fatal cardiomyopathy (CMYO5). Also called: CONGENITAL MYOPATHY 5 WITH CARDIOMYOPATHY; Salih Myopathy. Identifiers: Orphanet 289377, MedGen C2673677, MONDO:0012714, OMIM 611705. Disease mechanism: loss of function.
Autosomal recessive limb-girdle muscular dystrophy type 2J (LGMDR10). Also called: Limb-girdle muscular dystrophy, type 2J; MUSCULAR DYSTROPHY, LIMB-GIRDLE, AUTOSOMAL RECESSIVE 10. Identifiers: Orphanet 140922, MedGen C1837342, MONDO:0012127, OMIM 608807.
Myopathy, myofibrillar, 9, with early respiratory failure (MFM9). Also called: EDSTROM MYOPATHY; MYOPATHY, PROXIMAL, WITH EARLY RESPIRATORY MUSCLE INVOLVEMENT; Myopathy, distal, with early respiratory failure, autosomal dominant; Hereditary myopathy with early respiratory failure. Identifiers: Orphanet 178464, Orphanet 34521, MedGen C1863599, MONDO:0011362, OMIM 603689.
Dilated cardiomyopathy 1G (CMD1G). Identifiers: Orphanet 154, MedGen C1858763, MONDO:0011400, OMIM 604145.

Allele frequency attached by ClinVar (database versions not stated): gnomAD below 0.00001 and 0.00002; gnomAD exomes 0.00003 and 0.00008; ExAC 0.00008.
gnomAD v4.1: 55 of 1,613,306 alleles (0.0034%); highest among the groups gnomAD compares: South Asian, 0.056%; 1 homozygote.

Submissions (6):

Revvity Omics, Revvity
Classification: Uncertain significance. Last evaluated: 2024-12-05. Review status: criteria provided, single submitter. Criteria: ACMG Guidelines, 2015. Collection method: clinical testing. Allele origin: germline.

Illumina Laboratory Services, Illumina
Classification: Uncertain significance for Dilated cardiomyopathy 1G. Last evaluated: 2018-01-13. Review status: criteria provided, single submitter. Criteria: ICSL Variant Classification Criteria 13 December 2019. Collection method: clinical testing. Allele origin: germline.

Illumina Laboratory Services, Illumina
Classification: Benign for Tibial muscular dystrophy. Last evaluated: 2018-01-13. Review status: criteria provided, single submitter. Criteria: ICSL Variant Classification Criteria 13 December 2019. Collection method: clinical testing. Allele origin: germline.
Comment: This variant was observed in the ICSL laboratory as part of a predisposition screen in an ostensibly healthy population. It had not been previously curated by ICSL or reported in the Human Gene Mutation Database (HGMD: prior to June 1st, 2018), and was therefore a candidate for classification through an automated scoring system. Utilizing variant allele frequency, disease prevalence and penetrance estimates, and inheritance mode, an automated score was calculated to assess if this variant is too frequent to cause the disease. Based on the score and internal cut-off values, a variant classified as benign is not then subjected to further curation. The score for this variant resulted in a classification of benign for this disease.

Illumina Laboratory Services, Illumina
Classification: Uncertain significance for Early-onset myopathy with fatal cardiomyopathy. Last evaluated: 2018-01-13. Review status: criteria provided, single submitter. Criteria: ICSL Variant Classification Criteria 13 December 2019. Collection method: clinical testing. Allele origin: germline.

Illumina Laboratory Services, Illumina
Classification: Uncertain significance for Autosomal recessive limb-girdle muscular dystrophy type 2J. Last evaluated: 2018-01-13. Review status: criteria provided, single submitter. Criteria: ICSL Variant Classification Criteria 13 December 2019. Collection method: clinical testing. Allele origin: germline.

Illumina Laboratory Services, Illumina
Classification: Benign for Myopathy, myofibrillar, 9, with early respiratory failure. Last evaluated: 2018-01-13. Review status: criteria provided, single submitter. Criteria: ICSL Variant Classification Criteria 13 December 2019. Collection method: clinical testing. Allele origin: germline.
Comment: the same text as in the submission from Illumina Laboratory Services, Illumina above.